The following is an entry in ClinVar:

ClinVar aggregate classification (germline): Likely benign (1 of 4 stars; one submission).

Submission:

CeGaT Center for Human Genetics Tuebingen
Classification: Likely benign. Last evaluated: 2024-08-01. Review status: criteria provided, single submitter. Criteria: CeGaT Center For Human Genetics Tuebingen Variant Classification Criteria Version 2. Collection method: clinical testing. Allele origin: germline. Affected: yes. Observed: 1 variant allele.
Comment: FLT4: BP4

NM_182925.5(FLT4):c.1681G>A (p.Glu561Lys)

Gene: FLT4 (fms related receptor tyrosine kinase 4; minus strand). Cytogenetic location: 5q35.3.
Variant type: single nucleotide variant.
Coding change: c.1681G>A on transcript NM_182925.5 (MANE Select); coding-DNA position 1681, G replaced by A.
Protein change: p.Glu561Lys; replaces glutamic acid 561 with lysine.
Molecular consequence: missense variant.
Genome position (GRCh38, 1-based): chr5:180,621,881, C>T on the plus strand (G>A on the coding strand, the complement: FLT4 is on the minus strand). VCF-style: chr5-180621881-C-T. GRCh37 (hg19) VCF-style: chr5-180048881-C-T.
Other names: c.1681G>A, p.Glu561Lys (NM_001354989.2, NM_002020.5); short protein forms E561K.
Identifiers: ClinVar variation 3341625 (VCV003341625.16).
Genomic context (GRCh38, chr5:180,621,881, plus strand): 5'-CGGCTTGGCAGCTCAGGAGCACCGGCTGGCCCTCTAGTAGCTCCTCGGATGGCTTGGATT[C>T]GATGGTGAAGCCGTCGGGGATGGCTGTGGAGGGAGGAAGAAGCCCTGTGGCACTGCCCTG-3'
Protein context (NP_891555.2, residues 551-571): VTTIPDGFTI[Glu561Lys]SKPSEELLEG